The following is an entry in ClinVar:

ClinVar aggregate classification (germline): Conflicting classifications of pathogenicity. Review status: criteria provided, conflicting classifications (1 of 4 stars). 2 submissions from 2 submitters: Uncertain significance (1); Likely benign (1). Last evaluated 2026-04-16.

Conditions:
Neurofibromatosis, type 1 (NF1). Also called: NEUROFIBROMATOSIS, TYPE I, SOMATIC; Neurofibromatosis, type I; VON RECKLINGHAUSEN DISEASE; Peripheral type neurofibromatosis. Identifiers: Orphanet 636, MedGen C0027831, MONDO:0018975, OMIM 162200. Disease mechanism: loss of function.
Cardiovascular phenotype. Identifiers: MedGen CN230736.
Hereditary cancer-predisposing syndrome. Also called: Hereditary neoplastic syndrome; Neoplastic Syndromes, Hereditary; Tumor predisposition; Hereditary Cancer Syndrome. Identifiers: Orphanet 140162, MedGen C0027672, MeSH D009386, MONDO:0015356.

Submissions (2):

Ambry Genetics
Classification: Likely benign for Cardiovascular phenotype; Hereditary cancer-predisposing syndrome. Last evaluated: 2026-04-16. Review status: criteria provided, single submitter. Criteria: Ambry Variant Classification Scheme 2023. Collection method: clinical testing. Allele origin: germline.

Labcorp Genetics (formerly Invitae), Labcorp
Classification: Uncertain significance for Neurofibromatosis, type 1. Last evaluated: 2020-09-10. Review status: criteria provided, single submitter. Criteria: Invitae Variant Classification Sherloc (09022015). Collection method: clinical testing. Allele origin: germline.
Comment: This sequence change replaces lysine with asparagine at codon 2477 of the NF1 protein (p.Lys2477Asn). The lysine residue is moderately conserved and there is a moderate physicochemical difference between lysine and asparagine. This variant is not present in population databases (ExAC no frequency). This variant has not been reported in the literature in individuals with NF1-related conditions. Advanced modeling of protein sequence and biophysical properties (such as structural, functional, and spatial information, amino acid conservation, physicochemical variation, residue mobility, and thermodynamic stability) performed at Invitae indicates that this missense variant is not expected to disrupt NF1 protein function. In summary, the available evidence is currently insufficient to determine the role of this variant in disease. Therefore, it has been classified as a Variant of Uncertain Significance.

NM_001042492.3(NF1):c.7494A>C (p.Lys2498Asn)

Gene: NF1 (neurofibromin 1; plus strand). Cytogenetic location: 17q11.2.
Variant type: single nucleotide variant.
Coding change: c.7494A>C on transcript NM_001042492.3 (MANE Select); coding-DNA position 7494, A replaced by C.
Protein change: p.Lys2498Asn; replaces lysine 2498 with asparagine.
Molecular consequence: missense variant.
Genome position (GRCh38, 1-based): chr17:31,352,293, A>C. VCF-style: chr17-31352293-A-C. GRCh37 (hg19) VCF-style: chr17-29679311-A-C.
Other names: c.7431A>C, p.Lys2477Asn (NM_000267.4); short protein forms K2498N, K2477N.
Identifiers: ClinVar variation 1043326 (VCV001043326.8), dbSNP rs2070167780, ClinGen allele CA399017507.